The following is an entry in ClinVar:

ClinVar aggregate classification (germline): Likely benign. Review status: criteria provided, single submitter (1 of 4 stars). 2 submissions from 2 submitters: Likely benign (1). 1 of the submissions does not count toward it. Last evaluated 2024-07-01.

Conditions:
BRSK2-related disorder. Also called: BRSK2-related condition; BRSK2-Related Disorders.

Allele frequency attached by ClinVar (database versions not stated): ExAC 0.00009; gnomAD exomes 0.00003; TOPMed 0.00003; gnomAD 0.00005.
gnomAD v4.1: 57 of 1,582,086 alleles (0.0036%); highest among the groups gnomAD compares: Middle Eastern, 0.14%; no homozygotes.

Submissions (2):

CeGaT Center for Human Genetics Tuebingen
Classification: Likely benign. Last evaluated: 2024-07-01. Review status: criteria provided, single submitter. Criteria: CeGaT Center For Human Genetics Tuebingen Variant Classification Criteria Version 2. Collection method: clinical testing. Allele origin: germline. Affected: yes. Observed: 1 variant allele.
Comment: BRSK2: BP4, BP7

PreventionGenetics, part of Exact Sciences
Classification: Likely benign for BRSK2-related condition. Last evaluated: 2019-06-19. Review status: no assertion criteria provided. Collection method: clinical testing. Allele origin: germline. Not counted in ClinVar's aggregate classification.
Comment: This variant is classified as likely benign based on ACMG/AMP sequence variant interpretation guidelines (Richards et al. 2015 PMID: 25741868, with internal and published modifications).

NM_001256627.2(BRSK2):c.91+21197C>T

Gene: BRSK2 (BR serine/threonine kinase 2; plus strand). Cytogenetic location: 11p15.5.
Variant type: single nucleotide variant.
Coding change: c.91+21197C>T on transcript NM_001256627.2 (MANE Select); 21197 bases into the intron after coding-DNA position 91, C replaced by T.
Molecular consequence: intron variant. On other transcripts: synonymous variant (1).
Genome position (GRCh38, 1-based): chr11:1,411,572, C>T. VCF-style: chr11-1411572-C-T. GRCh37 (hg19) VCF-style: chr11-1432802-C-T.
Other names: c.91+21197C>T (NM_003957.4, NM_001256629.2); c.-90+666C>T (NM_001282218.2); c.168C>T, p.Leu56= (NM_001256630.1).
Identifiers: ClinVar variation 3042480 (VCV003042480.18), dbSNP rs748815377, ClinGen allele CA5810327.
Genomic context (GRCh38, chr11:1,411,572, plus strand): 5'-CAGGGGAGGGGCCGCACATCACAGAGTGCCAGCTGGCCACACTCCCGGCCCACAGCTGCT[C>T]CAGCCGCACCTCCACCTTCCTCAAGGCCAGACCTGGCTCTGCCTGCAGCCCAGCCCAGCA-3'